The following is an entry in ClinVar:

ClinVar aggregate classification (germline): Uncertain significance (1 of 4 stars; one submission).

Conditions:
Hypertrophic cardiomyopathy 26. Also called: Cardiomyopathy, familial hypertrophic, 26. Identifiers: Orphanet 75249, MedGen C4310749, MONDO:0014883, OMIM 617047.

Submission:

Victorian Clinical Genetics Services, Murdoch Childrens Research Institute
Classification: Uncertain significance for Hypertrophic cardiomyopathy 26. Last evaluated: 2023-07-17. Review status: criteria provided, single submitter. Criteria: ACMG Guidelines, 2015. Collection method: clinical testing. Allele origin: germline. Inheritance: Autosomal dominant inheritance.
Comment: Based on the classification scheme VCGS_Germline_v1.3.4, this variant is classified as VUS-3A. Following criteria are met: 0103 - Loss of function and gain of function are known mechanisms of disease in this gene. Loss of function is the established mechanism of disease for variants in dilated cardiomyopathy (PMID: 32112656), familial hypertrophic cardiomyopathy 26 (MIM#617047), familial restrictive cardiomyopathy 5 (MIM#617047) and myofibrillar myopathy 5 (MIM#609524), and recently has been associated with arrhythmogenic right ventricular cardiomyopathy (MONDO#0016587; PMID: 31627847). In distal myopathy 4 (MIM#614065), NMD-predicted variants cause a loss of function, however missense variants have been shown to result in a toxic gain of function (PMID: 32112656). (I) 0107 - This gene is associated with autosomal dominant disease. Variants that are predicted to result in nonsense-mediated decay (NMD) are enriched in dilated cardiomyopathy, whereas missense variants in the ROD2 domain are enriched in familial hypertrophic cardiomyopathy 26 and familial restrictive cardiomyopathy 5 (MIM#617047). Additionally, myofibrillar myopathy 5 (MIM#609524) is known to result from either missense variants in the ROD2 domain or truncating variants in the Ig-like domain 24, while missense variants in the actin-binding domain and NMD-predicted variants located in the Ig-like domain 15 and have been reported for distal myopathy 4 (MIM#614065) (PMID: 32112656). (I) 0115 - Variants in this gene are known to have variable expressivity. It has been described in ARVC (PMID: 31627847). (I) 0200 - Variant is predicted to result in a missense amino acid change from histidine to arginine. (I) 0251 - This variant is heterozygous. (I) 0301 - Variant is absent from gnomAD (both v2 and v3). (SP) 0501 - Missense variant consistently predicted to be damaging by multiple in silico tools or highly conserved with a major amino acid change. (SP) 0600 - Variant is located in the annotated filamin_23 region, which forms part of the ROD2 domain (Uniport, PMID: 32112656). (I) 0705 - No comparable missense variants have previous evidence for pathogenicity. (I) 0807 - This variant has no previous evidence of pathogenicity. (I) 0905 - No published segregation evidence has been identified for this variant. (I) 1007 - No published functional evidence has been identified for this variant. (SP) Legend: (SP) - Supporting pathogenic, (I) - Information, (SB) - Supporting benign

Literature cited by the submitters: PubMed 31627847; PubMed 32112656.

NM_001458.5(FLNC):c.7745A>G (p.His2582Arg)

Genes: FLNC (filamin C; plus strand), FLNC-AS1 (FLNC antisense RNA 1; minus strand). Cytogenetic location: 7q32.1.
Variant type: single nucleotide variant.
Coding change: c.7745A>G on transcript NM_001458.5 (MANE Select); coding-DNA position 7745, A replaced by G.
Protein change: p.His2582Arg; replaces histidine 2582 with arginine.
Molecular consequence: missense variant.
Genome position (GRCh38, 1-based): chr7:128,857,301, A>G. VCF-style: chr7-128857301-A-G. GRCh37 (hg19) VCF-style: chr7-128497355-A-G.
Other names: c.7646A>G, p.His2549Arg (NM_001127487.2); short protein forms H2549R, H2582R.
Identifiers: ClinVar variation 3255151 (VCV003255151.1), dbSNP rs2536671533.